The following is an entry in ClinVar:

ClinVar aggregate classification (germline): Likely benign (1 of 4 stars; one submission).

gnomAD v4.1: 1 of 1,613,272 alleles (0.000062%); highest among the groups gnomAD compares: Non-Finnish European, 0.000085%; no homozygotes.

Submission:

CeGaT Center for Human Genetics Tuebingen
Classification: Likely benign. Last evaluated: 2025-07-01. Review status: criteria provided, single submitter. Criteria: CeGaT Center For Human Genetics Tuebingen Variant Classification Criteria Version 2. Collection method: clinical testing. Allele origin: germline. Affected: yes. Observed: 1 variant allele.
Comment: TRIO: BP4, BP7

NM_007118.4(TRIO):c.4857G>A (p.Arg1619=)

Gene: TRIO (trio Rho guanine nucleotide exchange factor; plus strand). Cytogenetic location: 5p15.2.
Variant type: single nucleotide variant.
Coding change: c.4857G>A on transcript NM_007118.4 (MANE Select); coding-DNA position 4857, G replaced by A.
Protein change: p.Arg1619=; no amino-acid change (arginine 1619 retained).
Molecular consequence: synonymous variant. On other transcripts: non-coding transcript variant (1).
Genome position (GRCh38, 1-based): chr5:14,405,988, G>A. VCF-style: chr5-14405988-G-A. GRCh37 (hg19) VCF-style: chr5-14406097-G-A.
Identifiers: ClinVar variation 4084710 (VCV004084710.8).
Genomic context (GRCh38, chr5:14,405,988, plus strand): 5'-AGCCCTGAAGGAGCCCATTCACATCCCTAAGACCGCTCCCGCCACAAGACAGAAGGGAAG[G>A]AGGTGCGTGTCTGGGCGCCACTGGAGGTTTGTGGATGTGGGAGGGAGGGGCGAGGCGGTG-3'
Protein context (NP_009049.2, residues 1609-1629): KTAPATRQKG[Arg1619=]RDGEDLDSQG